The following is an entry in ClinVar:

ClinVar aggregate classification (germline): Uncertain significance (1 of 4 stars; one submission).

Conditions:
Early-infantile DEE. Also called: Early infantile epileptic encephalopathy; Ohtahara syndrome; Early infantile epileptic encephalopathy with suppression bursts. Identifiers: Orphanet 1934, MedGen C0393706, MONDO:0800491.

Allele frequency attached by ClinVar (database versions not stated): gnomAD exomes below 0.00001; ExAC 0.00001; gnomAD 0.00001; TOPMed 0.00001.

Submission:

Labcorp Genetics (formerly Invitae), Labcorp
Classification: Uncertain significance for Early-infantile DEE. Last evaluated: 2018-08-07. Review status: criteria provided, single submitter. Criteria: Invitae Variant Classification Sherloc (09022015). Collection method: clinical testing. Allele origin: germline.
Comment: This sequence change replaces asparagine with serine at codon 528 of the ARHGEF15 protein (p.Asn528Ser). The asparagine residue is highly conserved and there is a small physicochemical difference between asparagine and serine. This variant is present in population databases (rs747489507, ExAC 0.002%). This variant has not been reported in the literature in individuals with ARHGEF15-related disease. Algorithms developed to predict the effect of missense changes on protein structure and function (SIFT, PolyPhen-2, Align-GVGD) all suggest that this variant is likely to be disruptive, but these predictions have not been confirmed by published functional studies and their clinical significance is uncertain. In summary, the available evidence is currently insufficient to determine the role of this variant in disease. Therefore, it has been classified as a Variant of Uncertain Significance.

NM_173728.4(ARHGEF15):c.1583A>G (p.Asn528Ser)

Gene: ARHGEF15 (Rho guanine nucleotide exchange factor 15; plus strand). Cytogenetic location: 17p13.1.
Variant type: single nucleotide variant.
Coding change: c.1583A>G on transcript NM_173728.4 (MANE Select); coding-DNA position 1583, A replaced by G.
Protein change: p.Asn528Ser; replaces asparagine 528 with serine.
Molecular consequence: missense variant.
Genome position (GRCh38, 1-based): chr17:8,316,027, A>G. VCF-style: chr17-8316027-A-G. GRCh37 (hg19) VCF-style: chr17-8219345-A-G.
Other names: c.1583A>G, p.Asn528Ser (NM_025014.2); short protein forms N528S.
Identifiers: ClinVar variation 661080 (VCV000661080.9), dbSNP rs747489507, ClinGen allele CA8375226.
Genomic context (GRCh38, chr17:8,316,027, plus strand): 5'-GGTTGGGGCACCAGGGCCTCCAGGCAGCCGCTAGCCATGCCTGCTTCTGCAGGGACACCA[A>G]CGTGCGCTTCTCCGCCGAGCTGCGCCGGCTGCAGAGCCTCCCTAAGTGTGAGCGGCTCCC-3'
Protein context (NP_776089.2, residues 518-538): EETYSRLMDT[Asn528Ser]VRFSAELRRL